The following is an entry in ClinVar:

ClinVar aggregate classification (germline): Benign/Likely benign. Review status: criteria provided, multiple submitters, no conflicts (2 of 4 stars). 5 submissions from 5 submitters: Benign (1); Likely benign (4). Last evaluated 2025-10-29.

Conditions:
Hereditary cancer-predisposing syndrome. Also called: Hereditary neoplastic syndrome; Neoplastic Syndromes, Hereditary; Tumor predisposition; Hereditary Cancer Syndrome. Identifiers: Orphanet 140162, MedGen C0027672, MeSH D009386, MONDO:0015356.
Tuberous sclerosis syndrome (TSC). Also called: Tuberous Sclerosis Complex; Tuberous sclerosis. Identifiers: Orphanet 805, MedGen C0041341, MONDO:0001734.
Tuberous sclerosis 1 (TSC1). Identifiers: Orphanet 805, MedGen C1854465, MONDO:0008612, OMIM 191100.

Allele frequency attached by ClinVar (database versions not stated): gnomAD exomes below 0.00001.
gnomAD v4.1: 3 of 1,614,188 alleles (0.00019%); highest among the groups gnomAD compares: Non-Finnish European, 0.00025%; no homozygotes.

Submissions (5):

Labcorp Genetics (formerly Invitae), Labcorp
Classification: Likely benign for Tuberous sclerosis 1. Last evaluated: 2025-10-29. Review status: criteria provided, single submitter. Criteria: Invitae Variant Classification Sherloc (09022015). Collection method: clinical testing. Allele origin: germline.

All of Us Research Program, National Institutes of Health
Classification: Likely benign for Tuberous sclerosis syndrome. Last evaluated: 2024-05-14. Review status: criteria provided, single submitter. Criteria: ACMG Guidelines, 2015. Collection method: clinical testing. Allele origin: germline. Inheritance: Autosomal dominant inheritance. Observed: 2 variant alleles, 2 heterozygotes.
Comment: This study involves interpretation of variants in research participants for the purpose of population health screening. Participant phenotype was not available at the time of variant classification. Additional details can be found in publication PMID: 35346344, PMCID: PMC8962531

Genome-Nilou Lab
Classification: Benign for Tuberous sclerosis 1. Last evaluated: 2021-11-07. Review status: criteria provided, single submitter. Criteria: ACMG Guidelines, 2015. Collection method: clinical testing. Allele origin: germline. Affected: no.

GeneDx
Classification: Likely benign. Last evaluated: 2018-01-19. Review status: criteria provided, single submitter. Criteria: GeneDx Variant Classification (06012015). Collection method: clinical testing. Allele origin: germline. Affected: yes.
Comment: This variant is considered likely benign or benign based on one or more of the following criteria: it is a conservative change, it occurs at a poorly conserved position in the protein, it is predicted to be benign by multiple in silico algorithms, and/or has population frequency not consistent with disease.

Ambry Genetics
Classification: Likely benign for Hereditary cancer-predisposing syndrome. Last evaluated: 2016-02-04. Review status: criteria provided, single submitter. Criteria: Ambry Variant Classification Scheme 2023. Collection method: clinical testing. Allele origin: germline.

NM_000368.5(TSC1):c.1296A>C (p.Leu432=)

Gene: TSC1 (TSC complex subunit 1; minus strand). Cytogenetic location: 9q34.13.
Variant type: single nucleotide variant.
Coding change: c.1296A>C on transcript NM_000368.5 (MANE Select); coding-DNA position 1296, A replaced by C.
Protein change: p.Leu432=; no amino-acid change (leucine 432 retained).
Molecular consequence: synonymous variant.
Genome position (GRCh38, 1-based): chr9:132,907,338, T>G on the plus strand (A>C on the coding strand, the complement: TSC1 is on the minus strand). VCF-style: chr9-132907338-T-G. GRCh37 (hg19) VCF-style: chr9-135782725-T-G.
Other names: c.1293A>C, p.Leu431= (NM_001162426.2); c.1143A>C, p.Leu381= (NM_001162427.2); c.933A>C, p.Leu311= (NM_001362177.2).
Identifiers: ClinVar variation 466019 (VCV000466019.19), dbSNP rs1554816406, ClinGen allele CA467592205.